The following is an entry in ClinVar:

NM_000322.5(PRPH2):c.582-85G>A

Gene: PRPH2 (peripherin 2; minus strand). Cytogenetic location: 6p21.1.
Variant type: single nucleotide variant.
Coding change: c.582-85G>A on transcript NM_000322.5 (MANE Select); 85 bases into the intron before coding-DNA position 582, G replaced by A.
Molecular consequence: intron variant.
Genome position (GRCh38, 1-based): chr6:42,704,696, C>T on the plus strand (G>A on the coding strand, the complement: PRPH2 is on the minus strand). VCF-style: chr6-42704696-C-T. GRCh37 (hg19) VCF-style: chr6-42672434-C-T.
Identifiers: ClinVar variation 1175284 (VCV001175284.3), dbSNP rs34722725, ClinGen allele CA12352834.
Genomic context (GRCh38, chr6:42,704,696, plus strand): 5'-GATGGGCTTCCCGGGCTTCTCAACAGGGGCCACTTCCTCCCAACCCCTGCCTCTGGAAAC[C>T]TAGAATAGTCATTCACTCGCACACTTGGTATATATTTGCTGTGCGCCCGCTACGTGCCAG-3'

ClinVar aggregate classification (germline): Benign. Review status: criteria provided, single submitter (1 of 4 stars). 2 submissions from 2 submitters: Benign (1). 1 of the submissions does not count toward it. Last evaluated 2015-03-03.

Allele frequency attached by ClinVar (database versions not stated): gnomAD 0.25301 and 0.25513; TOPMed 0.26606; 1000 Genomes Project 30x 0.27249; 1000 Genomes Project 0.27396; gnomAD exomes 0.28964.
gnomAD v4.1: 454,101 of 1,586,472 alleles (29%); highest among the groups gnomAD compares: East Asian, 44%; 67,005 homozygotes.

Submissions (2):

GeneDx
Classification: Benign. Last evaluated: 2015-03-03. Review status: criteria provided, single submitter. Criteria: GeneDx Variant Classification Process June 2021. Collection method: clinical testing. Allele origin: germline. Affected: yes.

Leiden Open Variation Database
Classification: Likely benign. Last evaluated: 2021-03-21. Review status: no assertion criteria provided. Collection method: curation. Allele origin: germline. Affected: yes. Not counted in ClinVar's aggregate classification.
Comment: Curator: Global Variome, with Curator vacancy. Submitter to LOVD: Julia Lopez.

Literature cited by the submitters: PubMed 16885924 (cited by Leiden Open Variation Database).